The following is an entry in ClinVar:

NM_182961.4(SYNE1):c.11362A>C (p.Lys3788Gln)

Gene: SYNE1 (spectrin repeat containing nuclear envelope protein 1; minus strand). Cytogenetic location: 6q25.2.
Variant type: single nucleotide variant.
Coding change: c.11362A>C on transcript NM_182961.4 (MANE Select); coding-DNA position 11362, A replaced by C.
Protein change: p.Lys3788Gln; replaces lysine 3788 with glutamine.
Molecular consequence: missense variant.
Genome position (GRCh38, 1-based): chr6:152,352,245, T>G on the plus strand (A>C on the coding strand, the complement: SYNE1 is on the minus strand). VCF-style: chr6-152352245-T-G. GRCh37 (hg19) VCF-style: chr6-152673380-T-G.
Other names: c.11317A>C, p.Lys3773Gln (NM_033071.5); short protein forms K3773Q, K3788Q.
Identifiers: ClinVar variation 355886 (VCV000355886.8), dbSNP rs774322624, ClinGen allele CA4056706.

ClinVar aggregate classification (germline): Uncertain significance. Review status: criteria provided, multiple submitters, no conflicts (2 of 4 stars). 4 submissions from 3 submitters: Uncertain significance (4). Last evaluated 2022-07-05.

Conditions:
Autosomal recessive ataxia, Beauce type. Also called: SYNE1 Deficiency; SYNE1-Related Autosomal Recessive Cerebellar Ataxia; Spinocerebellar ataxia, autosomal recessive 8; ATAXIA, RECESSIVE, OF BEAUCE. Identifiers: Orphanet 88644, MedGen C1853116, MONDO:0012549, OMIM 610743.
Emery-Dreifuss muscular dystrophy 4, autosomal dominant (EDMD4). Also called: EMERY-DREIFUSS MUSCULAR DYSTROPHY 4 WITH VARIABLE FEATURES. Identifiers: Orphanet 261, MedGen C2751807, MONDO:0013071, OMIM 612998.

Allele frequency attached by ClinVar (database versions not stated): ExAC 0.00002; gnomAD exomes 0.00002; TOPMed 0.00002; gnomAD 0.00003.
gnomAD v4.1: 27 of 1,614,042 alleles (0.0017%); highest among the groups gnomAD compares: Admixed American, 0.0033%; no homozygotes.

Submissions (4):

Labcorp Genetics (formerly Invitae), Labcorp
Classification: Uncertain significance for Emery-Dreifuss muscular dystrophy 4, autosomal dominant; Autosomal recessive ataxia, Beauce type. Last evaluated: 2022-07-05. Review status: criteria provided, single submitter. Criteria: Invitae Variant Classification Sherloc (09022015). Collection method: clinical testing. Allele origin: germline.
Comment: This sequence change replaces lysine, which is basic and polar, with glutamine, which is neutral and polar, at codon 3773 of the SYNE1 protein (p.Lys3773Gln). This variant is present in population databases (rs774322624, gnomAD 0.006%). This variant has not been reported in the literature in individuals affected with SYNE1-related conditions. ClinVar contains an entry for this variant (Variation ID: 355886). Algorithms developed to predict the effect of missense changes on protein structure and function output the following: SIFT: "Deleterious"; PolyPhen-2: "Benign"; Align-GVGD: "Class C0". The glutamine amino acid residue is found in multiple mammalian species, which suggests that this missense change does not adversely affect protein function. In summary, the available evidence is currently insufficient to determine the role of this variant in disease. Therefore, it has been classified as a Variant of Uncertain Significance.

Revvity Omics, Revvity
Classification: Uncertain significance. Last evaluated: 2019-02-06. Review status: criteria provided, single submitter. Criteria: ACMG Guidelines, 2015. Collection method: clinical testing. Allele origin: germline.

Illumina Laboratory Services, Illumina
Classification: Uncertain significance for Emery-Dreifuss muscular dystrophy 4, autosomal dominant. Last evaluated: 2018-01-13. Review status: criteria provided, single submitter. Criteria: ICSL Variant Classification Criteria 13 December 2019. Collection method: clinical testing. Allele origin: germline.

Illumina Laboratory Services, Illumina
Classification: Uncertain significance for Autosomal recessive ataxia, Beauce type. Last evaluated: 2018-01-13. Review status: criteria provided, single submitter. Criteria: ICSL Variant Classification Criteria 13 December 2019. Collection method: clinical testing. Allele origin: germline.